The following is an entry in ClinVar:

ClinVar aggregate classification (germline): Uncertain significance. Review status: criteria provided, multiple submitters, no conflicts (2 of 4 stars). 5 submissions from 5 submitters: Uncertain significance (5). Last evaluated 2026-08-05.

Conditions:
Autosomal recessive limb-girdle muscular dystrophy type 2J (LGMDR10). Also called: Limb-girdle muscular dystrophy, type 2J; MUSCULAR DYSTROPHY, LIMB-GIRDLE, AUTOSOMAL RECESSIVE 10. Identifiers: Orphanet 140922, MedGen C1837342, MONDO:0012127, OMIM 608807.
Dilated cardiomyopathy 1G (CMD1G). Identifiers: Orphanet 154, MedGen C1858763, MONDO:0011400, OMIM 604145.
TTN-related disorder. Also called: TTN-related condition; TTN-related disease; TTN-related disorders.
Hypertrophic cardiomyopathy 9. Also called: Familial hypertrophic cardiomyopathy 9. Identifiers: MedGen C1861065, MONDO:0013412, OMIM 613765.
Myopathy, myofibrillar, 9, with early respiratory failure (MFM9). Also called: Hereditary myopathy with early respiratory failure; MYOPATHY, PROXIMAL, WITH EARLY RESPIRATORY MUSCLE INVOLVEMENT; EDSTROM MYOPATHY; Myopathy, distal, with early respiratory failure, autosomal dominant. Identifiers: Orphanet 178464, Orphanet 34521, MedGen C1863599, MONDO:0011362, OMIM 603689.
Tibial muscular dystrophy (TMD). Also called: Udd Distal Myopathy – Tibial Muscular Dystrophy; UDD MYOPATHY; Tibial muscular dystrophy, tardive. Identifiers: Orphanet 609, MedGen C1838244, MONDO:0010870, OMIM 600334.
Early-onset myopathy with fatal cardiomyopathy (CMYO5). Also called: Salih Myopathy; CONGENITAL MYOPATHY 5 WITH CARDIOMYOPATHY. Identifiers: Orphanet 289377, MedGen C2673677, MONDO:0012714, OMIM 611705. Disease mechanism: loss of function.

Allele frequency attached by ClinVar (database versions not stated): ExAC 0.00001; gnomAD exomes 0.00001; gnomAD 0.00005; TOPMed 0.00005.
gnomAD v4.1: 22 of 1,613,428 alleles (0.0014%); highest among the groups gnomAD compares: African/African-American, 0.008%; no homozygotes.

Submissions (5):

PreventionGenetics, part of Exact Sciences
Classification: Uncertain significance for TTN-related condition. Last evaluated: 2026-08-05. Review status: criteria provided, single submitter. Criteria: ACMG Guidelines, 2015. Collection method: clinical testing. Allele origin: germline.
Comment: The TTN c.61916A>G variant is predicted to result in the amino acid substitution p.Tyr20639Cys. To our knowledge, this variant has not been reported in the literature. This variant is reported in 0.012% of alleles in individuals of African descent in gnomAD. At this time, the clinical significance of this variant is uncertain due to the absence of conclusive functional and genetic evidence.

GeneDx
Classification: Uncertain significance. Last evaluated: 2025-04-23. Review status: criteria provided, single submitter. Criteria: GeneDx Variant Classification Process June 2021. Collection method: clinical testing. Allele origin: germline. Affected: yes.
Comment: Not observed at significant frequency in large population cohorts (gnomAD); Missense variant in a gene in which most reported pathogenic variants are truncating/loss of function; Has not been previously published as pathogenic or benign to our knowledge

Fulgent Genetics
Classification: Uncertain significance for Tibial muscular dystrophy; Myopathy, myofibrillar, 9, with early respiratory failure; Dilated cardiomyopathy 1G; Autosomal recessive limb-girdle muscular dystrophy type 2J; Early-onset myopathy with fatal cardiomyopathy; Hypertrophic cardiomyopathy 9. Last evaluated: 2021-12-14. Review status: criteria provided, single submitter. Criteria: ACMG Guidelines, 2015. Collection method: clinical testing. Allele origin: unknown.

Revvity Omics, Revvity
Classification: Uncertain significance. Last evaluated: 2019-02-27. Review status: criteria provided, single submitter. Criteria: ACMG Guidelines, 2015. Collection method: clinical testing. Allele origin: germline.

Labcorp Genetics (formerly Invitae), Labcorp
Classification: Uncertain significance for Dilated cardiomyopathy 1G; Autosomal recessive limb-girdle muscular dystrophy type 2J. Last evaluated: 2017-08-10. Review status: criteria provided, single submitter. Criteria: Invitae Variant Classification Sherloc (09022015). Collection method: clinical testing. Allele origin: germline.

NM_001267550.2(TTN):c.61916A>G (p.Tyr20639Cys)

Genes: TTN (titin; minus strand), TTN-AS1 (TTN antisense RNA 1; plus strand). Cytogenetic location: 2q31.2.
Variant type: single nucleotide variant.
Coding change: c.61916A>G on transcript NM_001267550.2 (MANE Select); coding-DNA position 61916, A replaced by G.
Protein change: p.Tyr20639Cys; replaces tyrosine 20639 with cysteine.
Molecular consequence: missense variant.
Genome position (GRCh38, 1-based): chr2:178,589,809, T>C on the plus strand (A>G on the coding strand, the complement: TTN is on the minus strand). VCF-style: chr2-178589809-T-C. GRCh37 (hg19) VCF-style: chr2-179454536-T-C.
Other names: c.56993A>G, p.Tyr18998Cys (NM_001256850.1); c.34721A>G, p.Tyr11574Cys (NM_003319.4); c.54212A>G, p.Tyr18071Cys (NM_133378.4); c.35096A>G, p.Tyr11699Cys (NM_133432.3); c.35297A>G, p.Tyr11766Cys (NM_133437.4); c.61916A>G (NM_001267550.1); short protein forms Y20639C, Y11766C, Y11699C, Y18071C, Y11574C, Y18998C.
Identifiers: ClinVar variation 467342 (VCV000467342.9), dbSNP rs756303390, ClinGen allele CA1992294.